The following is an entry in ClinVar:

ClinVar aggregate classification (germline): Uncertain significance (1 of 4 stars; one submission).

Conditions:
Thrombocytopenia 2 (THC2). Also called: ANKRD26-Related Thrombocytopenia. Identifiers: Orphanet 268322, MedGen C1861185, MONDO:0008555, OMIM 188000.

Submission:

St. Jude Molecular Pathology, St. Jude Children's Research Hospital
Classification: Uncertain significance for Thrombocytopenia 2. Last evaluated: 2026-02-11. Review status: criteria provided, single submitter. Criteria: St. Jude Assertion Criteria 2020. Collection method: clinical testing. Allele origin: germline.
Comment: The ANKRD26 c.1438G>A p.(Val480Ile) missense change is absent in gnomAD v2.1.1. This variant is not located in the 5' UTR. The in silico tool REVEL predicts a benign effect on protein function, but to our knowledge this prediction has not been confirmed by functional studies. To our knowledge, this variant has not been reported in the literature in individuals with ANKRD26-related thrombocytopenia. In summary, the evidence currently available is insufficient to determine the clinical significance of this variant. It has therefore been classified as of uncertain significance.

NM_014915.3(ANKRD26):c.1438G>A (p.Val480Ile)

Gene: ANKRD26 (ankyrin repeat domain 26; minus strand). Cytogenetic location: 10p12.1.
Variant type: single nucleotide variant.
Coding change: c.1438G>A on transcript NM_014915.3 (MANE Select); coding-DNA position 1438, G replaced by A.
Protein change: p.Val480Ile; replaces valine 480 with isoleucine.
Molecular consequence: missense variant.
Genome position (GRCh38, 1-based): chr10:27,061,168, C>T on the plus strand (G>A on the coding strand, the complement: ANKRD26 is on the minus strand). VCF-style: chr10-27061168-C-T. GRCh37 (hg19) VCF-style: chr10-27350097-C-T.
Other names: c.1438G>A, p.Val480Ile (NM_001256053.2); short protein forms V480I.
Identifiers: ClinVar variation 4813134 (VCV004813134.1).